The following is an entry in ClinVar:

NM_002693.3(POLG):c.136C>T (p.Gln46Ter)

Genes: POLGARF (POLG alternative reading frame; minus strand), POLG (DNA polymerase gamma, catalytic subunit; minus strand). Cytogenetic location: 15q26.1.
Variant type: single nucleotide variant.
Coding change: c.136C>T on transcript NM_002693.3 (MANE Select); coding-DNA position 136, C replaced by T.
Protein change: p.Gln46Ter; replaces glutamine 46 with a stop codon.
Molecular consequence: nonsense.
Genome position (GRCh38, 1-based): chr15:89,333,619, G>A on the plus strand (C>T on the coding strand, the complement: POLG is on the minus strand). VCF-style: chr15-89333619-G-A. GRCh37 (hg19) VCF-style: chr15-89876850-G-A.
Other names: c.136C>T, p.Gln46Ter (NM_001126131.2); short protein forms Q46*.
Identifiers: ClinVar variation 2707771 (VCV002707771.3), dbSNP rs2055628382, ClinGen allele CA393774410.

ClinVar aggregate classification (germline): Pathogenic (1 of 4 stars; one submission).

Conditions:
Progressive sclerosing poliodystrophy (MTDPS4A). Also called: ALPERS PROGRESSIVE INFANTILE POLIODYSTROPHY; NEURONAL DEGENERATION OF CHILDHOOD WITH LIVER DISEASE, PROGRESSIVE; Mitochondrial DNA depletion syndrome 4A (Alpers type); Mitochondrial DNA Depletion Syndrome 4A; Alpers-Huttenlocher Syndrome (AHS); Alpers Syndrome. Identifiers: Orphanet 726, MedGen C0205710, MONDO:0008758, OMIM 203700.

Allele frequency attached by ClinVar (database versions not stated): gnomAD exomes below 0.00001.
gnomAD v4.1: 1 of 1,601,374 alleles (0.000062%); highest among the groups gnomAD compares: Non-Finnish European, 0.000085%; no homozygotes.

Submission:

Labcorp Genetics (formerly Invitae), Labcorp
Classification: Pathogenic for Progressive sclerosing poliodystrophy. Last evaluated: 2024-01-05. Review status: criteria provided, single submitter. Criteria: Invitae Variant Classification Sherloc (09022015). Collection method: clinical testing. Allele origin: germline.
Comment: This sequence change creates a premature translational stop signal (p.Gln46*) in the POLG gene. It is expected to result in an absent or disrupted protein product. Loss-of-function variants in POLG are known to be pathogenic (PMID: 18546365). This variant is not present in population databases (gnomAD no frequency). This variant has not been reported in the literature in individuals affected with POLG-related conditions. For these reasons, this variant has been classified as Pathogenic.

Literature cited by the submitters: PubMed 18546365.